The following is an entry in ClinVar:

NM_000053.4(ATP7B):c.3795G>A (p.Val1265=)

Gene: ATP7B (ATPase copper transporting beta; minus strand). Cytogenetic location: 13q14.3.
Variant type: single nucleotide variant.
Coding change: c.3795G>A on transcript NM_000053.4 (MANE Select); coding-DNA position 3795, G replaced by A.
Protein change: p.Val1265=; no amino-acid change (valine 1265 retained).
Molecular consequence: synonymous variant. On other transcripts: intron variant (1).
Genome position (GRCh38, 1-based): chr13:51,937,584, C>T on the plus strand (G>A on the coding strand, the complement: ATP7B is on the minus strand). VCF-style: chr13-51937584-C-T. GRCh37 (hg19) VCF-style: chr13-52511720-C-T.
Other names: c.2952G>A, p.Val984= (NM_001406547.1); c.2505G>A, p.Val835= (NM_001406548.1); c.3700-191G>A (NM_001406526.1); c.3651G>A, p.Val1217= (NM_001406521.1, NM_001406522.1, NM_001406520.1); c.3561G>A, p.Val1187= (NM_001406527.1, NM_001406528.1, NM_001330578.2); c.3555G>A, p.Val1185= (NM_001406530.1); c.3543G>A, p.Val1181= (NM_001406531.1, NM_001406532.1, NM_001330579.2); c.3507G>A, p.Val1169= (NM_001406534.1); and 21 more.
Identifiers: ClinVar variation 3021932 (VCV003021932.5), dbSNP rs1957046861, ClinGen allele CA484024344.

ClinVar aggregate classification (germline): Likely benign. Review status: criteria provided, multiple submitters, no conflicts (2 of 4 stars). 3 submissions from 3 submitters: Likely benign (3). Last evaluated 2023-08-18.

Conditions:
Wilson disease (WND). Also called: Wilson's disease. Identifiers: Orphanet 905, MedGen C0019202, MONDO:0010200, OMIM 277900. Disease mechanism: loss of function.

Allele frequency attached by ClinVar (database versions not stated): TOPMed below 0.00001.
gnomAD v4.1: 8 of 1,614,288 alleles (0.0005%); highest among the groups gnomAD compares: Admixed American, 0.0017%; no homozygotes.

Submissions (3):

Labcorp Genetics (formerly Invitae), Labcorp
Classification: Likely benign for Wilson disease. Last evaluated: 2023-08-18. Review status: criteria provided, single submitter. Criteria: Invitae Variant Classification Sherloc (09022015). Collection method: clinical testing. Allele origin: germline.

All of Us Research Program, National Institutes of Health
Classification: Likely benign for Wilson disease. Last evaluated: 2023-06-26. Review status: criteria provided, single submitter. Criteria: ACMG Guidelines, 2015. Collection method: clinical testing. Allele origin: germline. Inheritance: Autosomal recessive inheritance. Observed: 1 variant allele, 1 heterozygote.
Comment: This study involves interpretation of variants in research participants for the purpose of population health screening. Participant phenotype was not available at the time of variant classification. Additional details can be found in publication PMID: 35346344, PMCID: PMC8962531

Color Diagnostics, LLC DBA Color Health
Classification: Likely benign for Wilson disease. Last evaluated: 2022-06-15. Review status: criteria provided, single submitter. Criteria: ACMG Guidelines, 2015. Collection method: clinical testing. Allele origin: germline.